The following is an entry in ClinVar:

ClinVar aggregate classification (germline): Uncertain significance (1 of 4 stars; one submission).

Submission:

Labcorp Genetics (formerly Invitae), Labcorp
Classification: Uncertain significance. Last evaluated: 2022-03-04. Review status: criteria provided, single submitter. Criteria: Invitae Variant Classification Sherloc (09022015). Collection method: clinical testing. Allele origin: germline.
Comment: This sequence change replaces serine, which is neutral and polar, with arginine, which is basic and polar, at codon 508 of the LONP1 protein (p.Ser508Arg). This variant is not present in population databases (gnomAD no frequency). This variant has not been reported in the literature in individuals affected with LONP1-related conditions. Algorithms developed to predict the effect of missense changes on protein structure and function are either unavailable or do not agree on the potential impact of this missense change (SIFT: "Deleterious"; PolyPhen-2: "Probably Damaging"; Align-GVGD: "Class C0"). In summary, the available evidence is currently insufficient to determine the role of this variant in disease. Therefore, it has been classified as a Variant of Uncertain Significance.

NM_004793.4(LONP1):c.1524C>G (p.Ser508Arg)

Gene: LONP1 (lon peptidase 1, mitochondrial; minus strand). Cytogenetic location: 19p13.3.
Variant type: single nucleotide variant.
Coding change: c.1524C>G on transcript NM_004793.4 (MANE Select); coding-DNA position 1524, C replaced by G.
Protein change: p.Ser508Arg; replaces serine 508 with arginine.
Molecular consequence: missense variant. On other transcripts: non-coding transcript variant (1).
Genome position (GRCh38, 1-based): chr19:5,699,188, G>C on the plus strand (C>G on the coding strand, the complement: LONP1 is on the minus strand). VCF-style: chr19-5699188-G-C. GRCh37 (hg19) VCF-style: chr19-5699199-G-C.
Other names: c.1332C>G, p.Ser444Arg (NM_001276479.2); c.936C>G, p.Ser312Arg (NM_001276480.1); short protein forms S444R, S508R, S312R.
Identifiers: ClinVar variation 2103026 (VCV002103026.4), dbSNP rs1380115498, ClinGen allele CA403531206.